The following is an entry in ClinVar:

ClinVar aggregate classification (germline): Uncertain significance (1 of 4 stars; one submission).

Conditions:
Developmental and epileptic encephalopathy, 12 (DEE12). Identifiers: MedGen C3150988, MONDO:0013389, OMIM 613722.

Allele frequency attached by ClinVar (database versions not stated): gnomAD exomes below 0.00001.
gnomAD v4.1: 3 of 1,613,272 alleles (0.00019%); highest among the groups gnomAD compares: Non-Finnish European, 0.00017%; no homozygotes.

Submission:

Labcorp Genetics (formerly Invitae), Labcorp
Classification: Uncertain significance for Developmental and epileptic encephalopathy, 12. Last evaluated: 2020-05-03. Review status: criteria provided, single submitter. Criteria: Invitae Variant Classification Sherloc (09022015). Collection method: clinical testing. Allele origin: germline.
Comment: This sequence change replaces leucine with proline at codon 870 of the PLCB1 protein (p.Leu870Pro). The leucine residue is moderately conserved and there is a moderate physicochemical difference between leucine and proline. This variant is not present in population databases (ExAC no frequency). This variant has not been reported in the literature in individuals with PLCB1-related conditions. Algorithms developed to predict the effect of missense changes on protein structure and function are either unavailable or do not agree on the potential impact of this missense change (SIFT: "Deleterious"; PolyPhen-2: "Benign"; Align-GVGD: "Class C0"). In summary, the available evidence is currently insufficient to determine the role of this variant in disease. Therefore, it has been classified as a Variant of Uncertain Significance.

NM_015192.4(PLCB1):c.2609T>C (p.Leu870Pro)

Gene: PLCB1 (phospholipase C beta 1; plus strand). Cytogenetic location: 20p12.3.
Variant type: single nucleotide variant.
Coding change: c.2609T>C on transcript NM_015192.4 (MANE Select); coding-DNA position 2609, T replaced by C.
Protein change: p.Leu870Pro; replaces leucine 870 with proline.
Molecular consequence: missense variant.
Genome position (GRCh38, 1-based): chr20:8,757,131, T>C. VCF-style: chr20-8757131-T-C. GRCh37 (hg19) VCF-style: chr20-8737778-T-C.
Other names: c.2609T>C, p.Leu870Pro (NM_182734.3); short protein forms L870P.
Identifiers: ClinVar variation 1018717 (VCV001018717.8), dbSNP rs1171306759, ClinGen allele CA408207280.